The following is an entry in ClinVar:

NM_020806.5(GPHN):c.689G>C (p.Ser230Thr)

Gene: GPHN (gephyrin; plus strand). Cytogenetic location: 14q23.3.
Variant type: single nucleotide variant.
Coding change: c.689G>C on transcript NM_020806.5 (MANE Select); coding-DNA position 689, G replaced by C.
Protein change: p.Ser230Thr; replaces serine 230 with threonine.
Molecular consequence: missense variant.
Genome position (GRCh38, 1-based): chr14:66,922,898, G>C. VCF-style: chr14-66922898-G-C. GRCh37 (hg19) VCF-style: chr14-67389615-G-C.
Other names: c.689G>C, p.Ser230Thr (NM_001024218.2, NM_001377515.1, NM_001377516.1 and 2 more transcripts); c.728G>C, p.Ser243Thr (NM_001377514.1, NM_001377519.1); short protein forms S230T, S243T.
Identifiers: ClinVar variation 4737827 (VCV004737827.1).

ClinVar aggregate classification (germline): Uncertain significance (1 of 4 stars; one submission).

Conditions:
Sulfite oxidase deficiency due to molybdenum cofactor deficiency type C. Also called: Molybdenum cofactor deficiency, complementation group C; Molybdenum cofactor deficiency C. Identifiers: Orphanet 308400, Orphanet 833, MedGen C1854990, MONDO:0014212, OMIM 615501.

Submission:

Labcorp Genetics (formerly Invitae), Labcorp
Classification: Uncertain significance for Sulfite oxidase deficiency due to molybdenum cofactor deficiency type C. Last evaluated: 2025-07-16. Review status: criteria provided, single submitter. Criteria: Invitae Variant Classification Sherloc (09022015). Collection method: clinical testing. Allele origin: germline.
Comment: This sequence change replaces serine, which is neutral and polar, with threonine, which is neutral and polar, at codon 230 of the GPHN protein (p.Ser230Thr). This variant is not present in population databases (gnomAD no frequency). This variant has not been reported in the literature in individuals affected with GPHN-related conditions. Invitae Evidence Modeling of protein sequence and biophysical properties (such as structural, functional, and spatial information, amino acid conservation, physicochemical variation, residue mobility, and thermodynamic stability) indicates that this missense variant is not expected to disrupt GPHN protein function with a negative predictive value of 80%. In summary, the available evidence is currently insufficient to determine the role of this variant in disease. Therefore, it has been classified as a Variant of Uncertain Significance.